The following is an entry in ClinVar:

ClinVar aggregate classification (germline): Benign. Review status: criteria provided, multiple submitters, no conflicts (2 of 4 stars). 5 submissions from 5 submitters: Benign (4). 1 of the submissions does not count toward it. Last evaluated 2026-01-24.

Conditions:
Bethlem myopathy 1A. Also called: MYOPATHY, BENIGN CONGENITAL, WITH CONTRACTURES; Bethlem myopathy 1; Bethlem Muscular Dystrophy. Identifiers: Orphanet 610, MedGen CN029274, MONDO:0024530, OMIM 158810.

Allele frequency attached by ClinVar (database versions not stated): ExAC 0.00158; gnomAD exomes 0.00122 and 0.00053; 1000 Genomes Project 30x 0.00468; TOPMed 0.00542; gnomAD 0.00519 and 0.00550; ESP Exome Variant Server 0.00569; 1000 Genomes Project 0.00519.
gnomAD v4.1: 1,646 of 1,614,224 alleles (0.1%); highest among the groups gnomAD compares: African/African-American, 1.8%; 29 homozygotes.

Submissions (5):

Labcorp Genetics (formerly Invitae), Labcorp
Classification: Benign for Bethlem myopathy 1A. Last evaluated: 2026-01-24. Review status: criteria provided, single submitter. Criteria: Invitae Variant Classification Sherloc (09022015). Collection method: clinical testing. Allele origin: germline.

Mayo Clinic Laboratories, Mayo Clinic
Classification: Benign. Last evaluated: 2021-10-08. Review status: criteria provided, single submitter. Criteria: ACMG Guidelines, 2015. Collection method: clinical testing. Allele origin: germline. Observed: 6 variant alleles.
Comment: BS1, BS2, BP4, BP7

GeneDx
Classification: Benign. Last evaluated: 2016-10-27. Review status: criteria provided, single submitter. Criteria: GeneDx Variant Classification (06012015). Collection method: clinical testing. Allele origin: germline. Affected: yes.
Comment: This variant is considered likely benign or benign based on one or more of the following criteria: it is a conservative change, it occurs at a poorly conserved position in the protein, it is predicted to be benign by multiple in silico algorithms, and/or has population frequency not consistent with disease.

PreventionGenetics, part of Exact Sciences
Classification: Benign. Review status: criteria provided, single submitter. Criteria: ACMG Guidelines, 2015. Collection method: clinical testing. Allele origin: germline.

Genetic Services Laboratory, University of Chicago
Classification: Likely benign for AllHighlyPenetrant. Review status: no assertion criteria provided. Collection method: clinical testing. Allele origin: germline. Not counted in ClinVar's aggregate classification.
Comment: Likely benign based on allele frequency in 1000 Genomes Project or ESP global frequency and its presence in a patient with a rare or unrelated disease phenotype. NOT Sanger confirmed.

NM_004369.4(COL6A3):c.6105G>A (p.Lys2035=)

Gene: COL6A3 (collagen type VI alpha 3 chain; minus strand). Cytogenetic location: 2q37.3.
Variant type: single nucleotide variant.
Coding change: c.6105G>A on transcript NM_004369.4 (MANE Select); coding-DNA position 6105, G replaced by A.
Protein change: p.Lys2035=; no amino-acid change (lysine 2035 retained).
Molecular consequence: synonymous variant.
Genome position (GRCh38, 1-based): chr2:237,361,790, C>T on the plus strand (G>A on the coding strand, the complement: COL6A3 is on the minus strand). VCF-style: chr2-237361790-C-T. GRCh37 (hg19) VCF-style: chr2-238270433-C-T.
Other names: p.Lys2035=; c.4284G>A, p.Lys1428= (NM_057166.5); c.5487G>A, p.Lys1829= (NM_057167.4).
Identifiers: ClinVar variation 128820 (VCV000128820.18), dbSNP rs35556524, ClinGen allele CA152469.